The following is an entry in ClinVar:

NM_017849.4(TMEM127):c.536T>C (p.Leu179Pro)

Gene: TMEM127 (transmembrane protein 127; minus strand). Cytogenetic location: 2q11.2.
Variant type: single nucleotide variant.
Coding change: c.536T>C on transcript NM_017849.4 (MANE Select); coding-DNA position 536, T replaced by C.
Protein change: p.Leu179Pro; replaces leucine 179 with proline.
Molecular consequence: missense variant.
Genome position (GRCh38, 1-based): chr2:96,253,989, A>G on the plus strand (T>C on the coding strand, the complement: TMEM127 is on the minus strand). VCF-style: chr2-96253989-A-G. GRCh37 (hg19) VCF-style: chr2-96919727-A-G.
Other names: c.536T>C, p.Leu179Pro (NM_001193304.3); short protein forms L179P.
Identifiers: ClinVar variation 1464135 (VCV001464135.6), dbSNP rs1390368617, ClinGen allele CA347652485.

ClinVar aggregate classification (germline): Uncertain significance (1 of 4 stars; one submission).

Conditions:
Hereditary pheochromocytoma and paraganglioma. Also called: Hereditary paragangliomas and pheochromocytomas; Hereditary Paraganglioma-Pheochromocytoma Syndromes; Hereditary pheochromocytoma-paraganglioma. Identifiers: Orphanet 29072, MedGen C4274332, MONDO:0017366.

Allele frequency attached by ClinVar (database versions not stated): gnomAD exomes below 0.00001.
gnomAD v4.1: 1 of 1,614,172 alleles (0.000062%); highest among the groups gnomAD compares: Non-Finnish European, 0.000085%; no homozygotes.

Submission:

Labcorp Genetics (formerly Invitae), Labcorp
Classification: Uncertain significance for Hereditary pheochromocytoma and paraganglioma. Last evaluated: 2021-08-04. Review status: criteria provided, single submitter. Criteria: Invitae Variant Classification Sherloc (09022015). Collection method: clinical testing. Allele origin: germline.
Comment: This sequence change replaces leucine with proline at codon 179 of the TMEM127 protein (p.Leu179Pro). The leucine residue is highly conserved and there is a moderate physicochemical difference between leucine and proline. This variant is not present in population databases (ExAC no frequency). In summary, the available evidence is currently insufficient to determine the role of this variant in disease. Therefore, it has been classified as a Variant of Uncertain Significance. Algorithms developed to predict the effect of missense changes on protein structure and function (SIFT, PolyPhen-2, Align-GVGD) all suggest that this variant is likely to be disruptive. This missense change has been observed in individual(s) with pheochromocytoma (PMID: 30877234).

Literature cited by the submitters: PubMed 30877234.